The following is an entry in ClinVar:

ClinVar aggregate classification (germline): Likely pathogenic. Review status: criteria provided, multiple submitters, no conflicts (2 of 4 stars). 2 submissions from 2 submitters: Likely pathogenic (2). Last evaluated 2026-04-28.

Conditions:
Autosomal recessive limb-girdle muscular dystrophy type 2J (LGMDR10). Also called: Limb-girdle muscular dystrophy, type 2J; MUSCULAR DYSTROPHY, LIMB-GIRDLE, AUTOSOMAL RECESSIVE 10. Identifiers: Orphanet 140922, MedGen C1837342, MONDO:0012127, OMIM 608807.
Dilated cardiomyopathy 1G (CMD1G). Identifiers: Orphanet 154, MedGen C1858763, MONDO:0011400, OMIM 604145.
Autosomal recessive titinopathy. Identifiers: MedGen CN315649, MONDO:0100493.

gnomAD v4.1: 3 of 1,613,622 alleles (0.00019%); highest among the groups gnomAD compares: Admixed American, 0.0033%; no homozygotes.

Submissions (2):

Women's Health and Genetics/Laboratory Corporation of America, LabCorp
Classification: Likely pathogenic for Autosomal recessive titinopathy. Last evaluated: 2026-04-28. Review status: criteria provided, single submitter. Criteria: LabCorp Variant Classification Summary - May 2015. Collection method: clinical testing. Allele origin: germline.
Comment: Variant summary: TTN c.31484-570T>G is located at a position not widely known to affect splicing. This variant corresponds to c.36532+2T>G in NM_001267550. Loss of function variants in all TTN bands are strongly associated with a spectrum of autosomal recessive titinopathies when exon expression (proportion spliced in, PSI, 1=complete expression) in skeletal muscle is >0.1 (PMID: 36977548, 39198997, 29598826, 32778822, 29691892, 33449170, 36977548, internal data). In contrast, loss of function variants in all TTN bands are only strongly associated with autosomal dominant TTN-related cardiomyopathies if located in exons constitutively expressed (PSI >0.9) in cardiac muscle, excluding extreme C-terminal exons 359-363 (PMID: 25589632, 31216868, 32964742, 34662387, 27869827, Shetty et al., Nat Cardiovasc Res 2024,, internal data). This variant has a maximum skeletal muscle PSI of 0.367 and a maximum cardiac muscle PSI of 0.010. Several computational tools predict a significant impact on normal splicing: Four predict the variant abolishes a 5' splicing donor site. However, these predictions have yet to be confirmed by functional studies. The variant allele was found at a frequency of 8.1e-06 in 247880 control chromosomes. To our knowledge, no occurrence of c.31484-570T>G in individuals affected with TTN-related conditions and no experimental evidence demonstrating its impact on protein function have been reported. ClinVar contains an entry for this variant (Variation ID: 3339637). Based on the evidence outlined above, the variant was classified as likely pathogenic for autosomal recessive TTN-related conditions.

Labcorp Genetics (formerly Invitae), Labcorp
Classification: Likely pathogenic for Dilated cardiomyopathy 1G; Autosomal recessive limb-girdle muscular dystrophy type 2J. Last evaluated: 2025-11-11. Review status: criteria provided, single submitter. Criteria: Invitae Variant Classification Sherloc (09022015). Collection method: clinical testing. Allele origin: germline.
Comment: This sequence change affects a donor splice site in intron 171 of the TTN gene. It is expected to disrupt RNA splicing and likely results in a truncated or disrupted TTN protein. This variant is present in population databases (no rsID available, gnomAD 0.007%). This variant has not been reported in the literature in individuals affected with TTN-related conditions. ClinVar contains an entry for this variant (Variation ID: 3339637). Algorithms developed to predict the effect of sequence changes on RNA splicing suggest that this variant may disrupt the consensus splice site. This variant is located in the I band of TTN (PMID: 25589632). Truncating variants in this region have been reported in individuals affected with autosomal recessive centronuclear myopathy (PMID: 23975875, internal data). Truncating variants in this region have also been identified in individuals affected with autosomal dominant dilated cardiomyopathy and/or cardio-related conditions (PMID: 27869827, 32964742, internal data). In summary, the currently available evidence indicates that the variant is pathogenic, but additional data are needed to prove that conclusively. Therefore, this variant has been classified as Likely Pathogenic.

Literature cited by the submitters: PubMed 25589632 (cited by Labcorp Genetics (formerly Invitae), Labcorp); PubMed 23975875 (cited by Labcorp Genetics (formerly Invitae), Labcorp); PubMed 27869827 (cited by Labcorp Genetics (formerly Invitae), Labcorp); PubMed 32964742 (cited by Labcorp Genetics (formerly Invitae), Labcorp).

NM_001267550.2(TTN):c.36532+2T>G

Gene: TTN (titin; minus strand). Cytogenetic location: 2q31.2.
Variant type: single nucleotide variant.
Coding change: c.36532+2T>G on transcript NM_001267550.2 (MANE Select); the canonical splice donor site of the intron after coding-DNA position 36532, T replaced by G.
Molecular consequence: splice donor variant. On other transcripts: intron variant (5).
Genome position (GRCh38, 1-based): chr2:178,663,625, A>C on the plus strand (T>G on the coding strand, the complement: TTN is on the minus strand). VCF-style: chr2-178663625-A-C. GRCh37 (hg19) VCF-style: chr2-179528352-A-C.
Other names: c.13283-21308T>G (NM_003319.4); c.13859-21308T>G (NM_133437.4); c.13658-21308T>G (NM_133432.3); c.31484-570T>G (NM_133378.4); c.34265-570T>G (NM_001256850.1).
Identifiers: ClinVar variation 3339637 (VCV003339637.6).
Genomic context (GRCh38, chr2:178,663,625, plus strand): 5'-GAAAAATATTTTCCAGAGCAGAAGAGATACATCATCTGAAGCCTAAAATCAGTGACAAAT[A>C]CCTTTAACAGGTGGGACTTCAGGCTCTTTAGGAGGAGCCACTGGCGCTTTCTTTTCAGGA-3'